The following is an entry in ClinVar:

ClinVar aggregate classification (germline): Uncertain significance (1 of 4 stars; one submission).

Conditions:
Marfan syndrome (MFS). Also called: Marfan syndrome type 1; Marfan's syndrome; FBN1-Related Marfan Syndrome; MARFAN SYNDROME, TYPE I; Marfan syndrome, classic. Identifiers: Orphanet 284963, Orphanet 558, MedGen C0024796, MONDO:0007947, OMIM 154700.
Familial thoracic aortic aneurysm and aortic dissection (TAAD). Also called: Thoracic aortic aneurysms and dissections. Identifiers: Orphanet 91387, MedGen C4707243, MONDO:0019625.

Allele frequency attached by ClinVar (database versions not stated): gnomAD exomes below 0.00001; TOPMed below 0.00001.
gnomAD v4.1: 1 of 1,613,284 alleles (0.000062%); highest among the groups gnomAD compares: Admixed American, 0.0017%; no homozygotes.

Submission:

Labcorp Genetics (formerly Invitae), Labcorp
Classification: Uncertain significance for Marfan syndrome; Familial thoracic aortic aneurysm and aortic dissection. Last evaluated: 2025-01-06. Review status: criteria provided, single submitter. Criteria: Invitae Variant Classification Sherloc (09022015). Collection method: clinical testing. Allele origin: germline.
Comment: This sequence change falls in intron 59 of the FBN1 gene. It does not directly change the encoded amino acid sequence of the FBN1 protein. It affects a nucleotide within the consensus splice site. This variant is not present in population databases (gnomAD no frequency). This variant has not been reported in the literature in individuals affected with FBN1-related conditions. ClinVar contains an entry for this variant (Variation ID: 1413050). Variants that disrupt the consensus splice site are a relatively common cause of aberrant splicing (PMID: 17576681, 9536098). Algorithms developed to predict the effect of sequence changes on RNA splicing suggest that this variant is not likely to affect RNA splicing. In summary, the available evidence is currently insufficient to determine the role of this variant in disease. Therefore, it has been classified as a Variant of Uncertain Significance.

Literature cited by the submitters: PubMed 17576681; PubMed 9536098.

NM_000138.5(FBN1):c.7330+3A>G

Gene: FBN1 (fibrillin 1; minus strand). Cytogenetic location: 15q21.1.
Variant type: single nucleotide variant.
Coding change: c.7330+3A>G on transcript NM_000138.5 (MANE Select); 3 bases into the intron after coding-DNA position 7330, A replaced by G.
Molecular consequence: intron variant.
Genome position (GRCh38, 1-based): chr15:48,425,736, T>C on the plus strand (A>G on the coding strand, the complement: FBN1 is on the minus strand). VCF-style: chr15-48425736-T-C. GRCh37 (hg19) VCF-style: chr15-48717933-T-C.
Identifiers: ClinVar variation 1413050 (VCV001413050.6), dbSNP rs2042974020, ClinGen allele CA2175493234.